The following is an entry in ClinVar:

ClinVar aggregate classification (germline): Uncertain significance (1 of 4 stars; one submission).

Conditions:
Hereditary cancer-predisposing syndrome. Also called: Neoplastic Syndromes, Hereditary; Tumor predisposition; Hereditary Cancer Syndrome; Hereditary neoplastic syndrome. Identifiers: Orphanet 140162, MedGen C0027672, MeSH D009386, MONDO:0015356.

Submission:

Ambry Genetics
Classification: Uncertain significance for Hereditary cancer-predisposing syndrome. Last evaluated: 2026-08-12. Review status: criteria provided, single submitter. Criteria: Ambry Variant Classification Scheme 2023. Collection method: clinical testing. Allele origin: germline.
Comment: The p.A347P variant (also known as c.1039G>C), located in coding exon 8 of the CDH1 gene, results from a G to C substitution at nucleotide position 1039. The alanine at codon 347 is replaced by proline, an amino acid with highly similar properties. This amino acid position is highly conserved in available vertebrate species. In addition, this alteration is predicted to be deleterious by in silico analysis. Based on the available evidence, the clinical significance of this variant remains unclear.

NM_004360.5(CDH1):c.1039G>C (p.Ala347Pro)

Gene: CDH1 (cadherin 1; plus strand). Cytogenetic location: 16q22.1.
Variant type: single nucleotide variant.
Coding change: c.1039G>C on transcript NM_004360.5 (MANE Select); coding-DNA position 1039, G replaced by C.
Protein change: p.Ala347Pro; replaces alanine 347 with proline.
Molecular consequence: missense variant. On other transcripts: 5 prime UTR variant (2).
Genome position (GRCh38, 1-based): chr16:68,812,165, G>C. VCF-style: chr16-68812165-G-C. GRCh37 (hg19) VCF-style: chr16-68846068-G-C.
Other names: c.1039G>C, p.Ala347Pro (NM_001317184.2); c.-577G>C (NM_001317185.2); c.-781G>C (NM_001317186.2); short protein forms A347P.
Identifiers: ClinVar variation 4825323 (VCV004825323.2).